The following is an entry in ClinVar:

NM_033380.3(COL4A5):c.782G>A (p.Gly261Glu)

Gene: COL4A5 (collagen type IV alpha 5 chain; plus strand). Cytogenetic location: Xq22.3.
Variant type: single nucleotide variant.
Coding change: c.782G>A on transcript NM_033380.3 (MANE Select); coding-DNA position 782, G replaced by A.
Protein change: p.Gly261Glu; replaces glycine 261 with glutamic acid.
Molecular consequence: missense variant.
Genome position (GRCh38, 1-based): chrX:108,580,534, G>A. VCF-style: chrX-108580534-G-A. GRCh37 (hg19) VCF-style: chrX-107823764-G-A.
Other names: c.782G>A, p.Gly261Glu (NM_000495.5); short protein forms G261E.
Identifiers: ClinVar variation 1346769 (VCV001346769.8), dbSNP rs2147776049, ClinGen allele CA413925528.

ClinVar aggregate classification (germline): Likely pathogenic (1 of 4 stars; one submission).

Submission:

Labcorp Genetics (formerly Invitae), Labcorp
Classification: Likely pathogenic. Last evaluated: 2021-02-22. Review status: criteria provided, single submitter. Criteria: Invitae Variant Classification Sherloc (09022015). Collection method: clinical testing. Allele origin: germline.
Comment: In summary, the currently available evidence indicates that the variant is pathogenic, but additional data are needed to prove that conclusively. Therefore, this variant has been classified as Likely Pathogenic. This variant disrupts the triple helix domain of COL4A5. Glycine residues within the Gly-Xaa-Yaa repeats of the triple helix domain are required for the structure and stability of fibrillar collagens (PMID: 7695699, 8218237, 19344236). In COL4A5, missense variants at these glycine residues are significantly enriched in individuals with disease (PMID: 23720012, 27627812) compared to the general population (ExAC). Algorithms developed to predict the effect of missense changes on protein structure and function are either unavailable or do not agree on the potential impact of this missense change (SIFT: "Deleterious"; PolyPhen-2: "Not Available"; Align-GVGD: "Class C0"). This variant has not been reported in the literature in individuals with COL4A5-related conditions. This variant is not present in population databases (ExAC no frequency). This sequence change replaces glycine with glutamic acid at codon 261 of the COL4A5 protein (p.Gly261Glu). The glycine residue is highly conserved and there is a moderate physicochemical difference between glycine and glutamic acid.

Literature cited by the submitters: PubMed 7695699; PubMed 8218237; PubMed 19344236; PubMed 23720012; PubMed 27627812.